The following is an entry in ClinVar:

ClinVar aggregate classification (germline): Uncertain significance (1 of 4 stars; one submission).

Submission:

Labcorp Genetics (formerly Invitae), Labcorp
Classification: Uncertain significance. Last evaluated: 2022-06-27. Review status: criteria provided, single submitter. Criteria: Invitae Variant Classification Sherloc (09022015). Collection method: clinical testing. Allele origin: unknown.
Comment: In summary, the available evidence is currently insufficient to determine the role of this variant in disease. Therefore, it has been classified as a Variant of Uncertain Significance. Experimental studies and prediction algorithms are not available or were not evaluated, and the functional significance of this variant is currently unknown. This variant has not been reported in the literature in individuals affected with CTNNA1-related conditions. This variant results in a copy number gain of the genomic region encompassing exon(s) 10-18 of the CTNNA1 gene. This region includes the termination codon of the gene. This copy number gain extends beyond the assayed region for this gene and therefore may encompass additional genes. As the precise location of this event is unknown, it may be in tandem or it may be located elsewhere in the genome.

NC_000005.9:g.(?_138240018)_(138362701_?)dup

Genes: CTNNA1 (catenin alpha 1; plus strand), SIL1 (SIL1 nucleotide exchange factor; minus strand). Cytogenetic location: 5q31.2.
Variant type: Duplication.
Identifiers: ClinVar variation 3246476 (VCV003246476.1).